The following is an entry in ClinVar:

ClinVar aggregate classification (germline): Pathogenic (1 of 4 stars; one submission).

Conditions:
Primary ciliary dyskinesia. Also called: Ciliary dyskinesia. Identifiers: Orphanet 244, MedGen C0008780, MONDO:0016575, HP:0012265.

Submission:

Labcorp Genetics (formerly Invitae), Labcorp
Classification: Pathogenic for Primary ciliary dyskinesia. Last evaluated: 2024-11-21. Review status: criteria provided, single submitter. Criteria: Invitae Variant Classification Sherloc (09022015). Collection method: clinical testing. Allele origin: germline.
Comment: This sequence change creates a premature translational stop signal (p.Lys336Argfs*19) in the CCDC39 gene. It is expected to result in an absent or disrupted protein product. Loss-of-function variants in CCDC39 are known to be pathogenic (PMID: 21131972, 23255504). This variant is not present in population databases (gnomAD no frequency). This premature translational stop signal has been observed in individual(s) with primary ciliary dyskinesia (PMID: 21131972). ClinVar contains an entry for this variant (Variation ID: 2734593). For these reasons, this variant has been classified as Pathogenic.

Literature cited by the submitters: PubMed 21131972; PubMed 23255504.

NM_181426.2(CCDC39):c.1007_1010del (p.Lys336fs)

Gene: CCDC39 (coiled-coil domain 39 molecular ruler complex subunit; minus strand). Cytogenetic location: 3q26.33.
Variant type: Deletion.
Coding change: c.1007_1010del on transcript NM_181426.2 (MANE Select); coding-DNA positions 1007 to 1010, 4 bases deleted (AGAA; older notation c.1007_1010delAGAA).
Protein change: p.Lys336fs; shifts the reading frame from lysine 336.
Molecular consequence: frameshift variant.
Genome position (GRCh38, 1-based): chr3:180,652,187-180,652,190, TTCT deleted on the plus strand (AGAA on the coding strand, the reverse complement: CCDC39 is on the minus strand); deleting any 4 consecutive bases within chr3:180,652,187-180,652,192 gives the same sequence; the c. name uses the placement nearest the transcript's 3' end. VCF-style (leftmost placement, unchanged base first): chr3-180652186-CTTCT-C. GRCh37 (hg19) VCF-style: chr3-180369974-CTTCT-C.
Other names: short protein forms K336fs.
Identifiers: ClinVar variation 2734593 (VCV002734593.3), dbSNP rs1711502781, ClinGen allele CA1056971716.
Genomic context (GRCh38, chr3:180,652,186, plus strand): 5'-AATAATCATAAACATATTTAGATAGTTTTTTTCTTACCTTGCTGTTTCTTCATGAATGTC[CTTCT>C]TTATCTTGGAAATATTTTTCCTCAGAGCTTCTAAATCACTGGAAGTTCTATTCACAGTGG-3'